The following is an entry in ClinVar:

ClinVar aggregate classification (germline): Likely pathogenic. Review status: criteria provided, multiple submitters, no conflicts (2 of 4 stars). 2 submissions from 2 submitters: Likely pathogenic (2). Last evaluated 2022-08-01.

Conditions:
Inborn genetic diseases. Identifiers: MedGen C0950123, MeSH D030342.
Episodic ataxia type 1 (EA1). Also called: Episodic ataxia/myokymia syndrome; PAROXYSMAL ATAXIA WITH NEUROMYOTONIA, HEREDITARY; ATAXIA, EPISODIC, WITH MYOKYMIA; MYOKYMIA WITH PERIODIC ATAXIA. Identifiers: Orphanet 37612, Orphanet 972, MedGen C1719788, MONDO:0008047, OMIM 160120.

Submissions (2):

MGZ Medical Genetics Center
Classification: Likely pathogenic for Episodic ataxia type 1. Last evaluated: 2022-08-01. Review status: criteria provided, single submitter. Criteria: ACMG Guidelines, 2015. Collection method: clinical testing. Allele origin: germline. Affected: yes. Observed: 1 variant allele.
Comment: ACMG criteria applied: PS2, PM5, PM2_SUP, PP3

Ambry Genetics
Classification: Likely pathogenic for Inborn genetic diseases. Last evaluated: 2019-01-30. Review status: criteria provided, single submitter. Criteria: Ambry exome assertion method (8-5-2015). Collection method: clinical testing. Allele origin: germline. Affected: yes. Observed: 1 variant allele.

Literature cited by the submitters: PubMed 30055040 (cited by Ambry Genetics); PubMed 27864847 (cited by Ambry Genetics); PubMed 28216637 (cited by Ambry Genetics); PubMed 23349320 (cited by Ambry Genetics); PubMed 29056246 (cited by Ambry Genetics).

NM_000217.3(KCNA1):c.1213C>G (p.Pro405Ala)

Gene: KCNA1 (potassium voltage-gated channel subfamily A member 1; plus strand). Cytogenetic location: 12p13.32.
Variant type: single nucleotide variant.
Coding change: c.1213C>G on transcript NM_000217.3 (MANE Select); coding-DNA position 1213, C replaced by G.
Protein change: p.Pro405Ala; replaces proline 405 with alanine.
Molecular consequence: missense variant.
Genome position (GRCh38, 1-based): chr12:4,912,591, C>G. VCF-style: chr12-4912591-C-G. GRCh37 (hg19) VCF-style: chr12-5021757-C-G.
Other names: short protein forms P405A.
Identifiers: ClinVar variation 985808 (VCV000985808.4), dbSNP rs1947358808, ClinGen allele CA383456282.